The following is an entry in ClinVar:

NM_001144967.3(NEDD4L):c.1208A>G (p.Tyr403Cys)

Gene: NEDD4L (NEDD4 like E3 ubiquitin protein ligase; plus strand). Cytogenetic location: 18q21.31.
Variant type: single nucleotide variant.
Coding change: c.1208A>G on transcript NM_001144967.3 (MANE Select); coding-DNA position 1208, A replaced by G.
Protein change: p.Tyr403Cys; replaces tyrosine 403 with cysteine.
Molecular consequence: missense variant. On other transcripts: intron variant (1).
Genome position (GRCh38, 1-based): chr18:58,341,120, A>G. VCF-style: chr18-58341120-A-G. GRCh37 (hg19) VCF-style: chr18-56008352-A-G.
Other names: c.845A>G, p.Tyr282Cys (NM_001144964.1, NM_001144965.2, NM_001144966.3); c.1184A>G, p.Tyr395Cys (NM_001144968.2); c.1124A>G, p.Tyr375Cys (NM_001144969.2); c.785A>G, p.Tyr262Cys (NM_001144970.3, NM_001144971.2); c.1148A>G, p.Tyr383Cys (NM_015277.6); c.1066-558A>G (NM_001243960.2); short protein forms Y383C, Y262C, Y395C, Y375C, Y282C, Y403C.
Identifiers: ClinVar variation 2707189 (VCV002707189.3), dbSNP rs2516777453, ClinGen allele CA402561497.

ClinVar aggregate classification (germline): Uncertain significance (1 of 4 stars; one submission).

Submission:

Labcorp Genetics (formerly Invitae), Labcorp
Classification: Uncertain significance. Last evaluated: 2024-01-03. Review status: criteria provided, single submitter. Criteria: Invitae Variant Classification Sherloc (09022015). Collection method: clinical testing. Allele origin: germline.
Comment: This sequence change replaces tyrosine, which is neutral and polar, with cysteine, which is neutral and slightly polar, at codon 383 of the NEDD4L protein (p.Tyr383Cys). This variant is not present in population databases (gnomAD no frequency). This variant has not been reported in the literature in individuals affected with NEDD4L-related conditions. Advanced modeling of protein sequence and biophysical properties (such as structural, functional, and spatial information, amino acid conservation, physicochemical variation, residue mobility, and thermodynamic stability) performed at Invitae indicates that this missense variant is not expected to disrupt NEDD4L protein function with a negative predictive value of 80%. In summary, the available evidence is currently insufficient to determine the role of this variant in disease. Therefore, it has been classified as a Variant of Uncertain Significance.